The following is an entry in ClinVar:

NM_000465.4(BARD1):c.1879G>A (p.Gly627Arg)

Gene: BARD1 (BRCA1 associated RING domain 1; minus strand). Cytogenetic location: 2q35.
Variant type: single nucleotide variant.
Coding change: c.1879G>A on transcript NM_000465.4 (MANE Select); coding-DNA position 1879, G replaced by A.
Protein change: p.Gly627Arg; replaces glycine 627 with arginine.
Molecular consequence: missense variant. On other transcripts: non-coding transcript variant (3), intron variant (1).
Genome position (GRCh38, 1-based): chr2:214,745,091, C>T on the plus strand (G>A on the coding strand, the complement: BARD1 is on the minus strand). VCF-style: chr2-214745091-C-T. GRCh37 (hg19) VCF-style: chr2-215609815-C-T.
Other names: c.1822G>A, p.Gly608Arg (NM_001282543.2); c.526G>A, p.Gly176Arg (NM_001282545.2); c.469G>A, p.Gly157Arg (NM_001282548.2); c.365-14583G>A (NM_001282549.2); short protein forms G157R, G176R, G608R, G627R.
Identifiers: ClinVar variation 1781844 (VCV001781844.2), dbSNP rs2469337728, ClinGen allele CA350452098.

ClinVar aggregate classification (germline): Uncertain significance (1 of 4 stars; one submission).

Conditions:
Hereditary cancer-predisposing syndrome. Also called: Neoplastic Syndromes, Hereditary; Tumor predisposition; Hereditary Cancer Syndrome; Hereditary neoplastic syndrome. Identifiers: Orphanet 140162, MedGen C0027672, MeSH D009386, MONDO:0015356.

Submission:

Ambry Genetics
Classification: Uncertain significance for Hereditary cancer-predisposing syndrome. Last evaluated: 2020-12-31. Review status: criteria provided, single submitter. Criteria: Ambry Variant Classification Scheme 2023. Collection method: clinical testing. Allele origin: germline.
Comment: The p.G627R variant (also known as c.1879G>A), located in coding exon 9 of the BARD1 gene, results from a G to A substitution at nucleotide position 1879. The glycine at codon 627 is replaced by arginine, an amino acid with dissimilar properties. This amino acid position is highly conserved in available vertebrate species. In addition, this alteration is predicted to be deleterious by in silico analysis. Since supporting evidence is limited at this time, the clinical significance of this alteration remains unclear.